The following is an entry in ClinVar:

NM_003482.4(KMT2D):c.12672A>T (p.Ala4224=)

Gene: KMT2D (lysine methyltransferase 2D; minus strand). Cytogenetic location: 12q13.12.
Variant type: single nucleotide variant.
Coding change: c.12672A>T on transcript NM_003482.4 (MANE Select); coding-DNA position 12672, A replaced by T.
Protein change: p.Ala4224=; no amino-acid change (alanine 4224 retained).
Molecular consequence: synonymous variant.
Genome position (GRCh38, 1-based): chr12:49,032,033, T>A on the plus strand (A>T on the coding strand, the complement: KMT2D is on the minus strand). VCF-style: chr12-49032033-T-A. GRCh37 (hg19) VCF-style: chr12-49425816-T-A.
Identifiers: ClinVar variation 3030266 (VCV003030266.2), dbSNP rs1592117310, ClinGen allele CA479708208.

ClinVar aggregate classification (germline): Likely benign (0 of 4 stars; one submission).

Conditions:
KMT2D-related disorder. Also called: KMT2D-Related Disorders.

Submission:

PreventionGenetics, part of Exact Sciences
Classification: Likely benign for KMT2D-related condition. Last evaluated: 2021-04-13. Review status: no assertion criteria provided. Collection method: clinical testing. Allele origin: germline.
Comment: This variant is classified as likely benign based on ACMG/AMP sequence variant interpretation guidelines (Richards et al. 2015 PMID: 25741868, with internal and published modifications).